The following is an entry in ClinVar:

NM_000398.7(CYB5R3):c.250C>T (p.Arg84Ter)

Gene: CYB5R3 (cytochrome b5 reductase 3; minus strand). Cytogenetic location: 22q13.2.
Variant type: single nucleotide variant.
Coding change: c.250C>T on transcript NM_000398.7 (MANE Select); coding-DNA position 250, C replaced by T.
Protein change: p.Arg84Ter; replaces arginine 84 with a stop codon.
Molecular consequence: nonsense.
Genome position (GRCh38, 1-based): chr22:42,630,965, G>A on the plus strand (C>T on the coding strand, the complement: CYB5R3 is on the minus strand). VCF-style: chr22-42630965-G-A. GRCh37 (hg19) VCF-style: chr22-43026971-G-A.
Other names: c.181C>T, p.Arg61Ter (NM_001129819.2, NM_001171661.1, NM_007326.4); c.349C>T, p.Arg117Ter (NM_001171660.2); short protein forms R84*, R117*, R61*.
Identifiers: ClinVar variation 431812 (VCV000431812.9), dbSNP rs1210302322, ClinGen allele CA411800624.

ClinVar aggregate classification (germline): Pathogenic. Review status: criteria provided, multiple submitters, no conflicts (2 of 4 stars). 4 submissions from 4 submitters: Pathogenic (4). Last evaluated 2025-12-04.

Conditions:
Deficiency of cytochrome-b5 reductase. Also called: METHEMOGLOBINEMIA, CONGENITAL, AUTOSOMAL RECESSIVE; NADH-DEPENDENT METHEMOGLOBIN REDUCTASE DEFICIENCY. Identifiers: Orphanet 621, MedGen C0268193, MONDO:0009606, OMIM 250800.

gnomAD v4.1: 13 of 1,613,924 alleles (0.00081%); highest among the groups gnomAD compares: South Asian, 0.0033%; no homozygotes.

Submissions (4):

Women's Health and Genetics/Laboratory Corporation of America, LabCorp
Classification: Pathogenic for Deficiency of cytochrome-b5 reductase. Last evaluated: 2025-12-04. Review status: criteria provided, single submitter. Criteria: LabCorp Variant Classification Summary - May 2015. Collection method: clinical testing. Allele origin: germline.
Comment: Variant summary: CYB5R3 c.250C>T (p.Arg84X) results in a premature termination codon, predicted to cause a truncation of the encoded protein or absence of the protein due to nonsense mediated decay, which are commonly known mechanisms for disease. The variant allele was found at a frequency of 8e-06 in 250446 control chromosomes. c.250C>T has been observed in homozygous genotype in an individual affected with Deficiency Of Cytochrome-B5 Reductase (Higasa_1998). These data indicate that the variant is likely to be associated with disease. To our knowledge, no experimental evidence demonstrating an impact on protein function has been reported. The following publication have been ascertained in the context of this evaluation (PMID: 9886302). ClinVar contains an entry for this variant (Variation ID: 431812). Based on the evidence outlined above, the variant was classified as pathogenic.

Labcorp Genetics (formerly Invitae), Labcorp
Classification: Pathogenic. Last evaluated: 2024-03-29. Review status: criteria provided, single submitter. Criteria: Invitae Variant Classification Sherloc (09022015). Collection method: clinical testing. Allele origin: germline.
Comment: This sequence change creates a premature translational stop signal (p.Arg84*) in the CYB5R3 gene. It is expected to result in an absent or disrupted protein product. Loss-of-function variants in CYB5R3 are known to be pathogenic (PMID: 18318771). This variant is present in population databases (no rsID available, gnomAD 0.002%). This premature translational stop signal has been observed in individual(s) with methemoglobinemia (PMID: 9886302). This variant is also known as Arg83stop. ClinVar contains an entry for this variant (Variation ID: 431812). For these reasons, this variant has been classified as Pathogenic.

Eurofins Ntd Llc (ga)
Classification: Pathogenic. Last evaluated: 2018-03-08. Review status: criteria provided, single submitter. Criteria: EGL ClinVar v180209 classification definitions. Collection method: clinical testing. Allele origin: germline. Observed: 1 variant allele, 1 heterozygote.

GeneDx
Classification: Pathogenic. Last evaluated: 2017-05-31. Review status: criteria provided, single submitter. Criteria: GeneDx Variant Classification (06012015). Collection method: clinical testing. Allele origin: germline. Affected: yes.
Comment: The R84X variant in the CYB5R3 gene has been reported previously in the homozygous state, in an individual with type II hereditary methemoglobinaemia, characterized by preterm birth, developmental delay, absent speech, stiff and flexed limbs, and marked decrease in b5 reductase activity in both erythrocytes and leukocytes; unaffected parents and one sibling of this individual were all heterozygous for the R84X variant (Higasa et al., 1998). This variant is predicted to cause loss of normal protein function either through protein truncation or nonsense-mediated mRNA decay. The R84X variant is not observed in large population cohorts (Lek et al., 2016; 1000 Genomes Consortium et al., 2015; Exome Variant Server). We interpret R84X as a pathogenic variant.

Literature cited by the submitters: PubMed 9886302 (cited by 3 submitters); PubMed 18318771 (cited by Labcorp Genetics (formerly Invitae), Labcorp).